The following is an entry in ClinVar:

NM_016203.4(PRKAG2):c.905G>A (p.Arg302Gln)

Gene: PRKAG2 (protein kinase AMP-activated non-catalytic subunit gamma 2; minus strand). Cytogenetic location: 7q36.1.
Variant type: single nucleotide variant.
Coding change: c.905G>A on transcript NM_016203.4 (MANE Select); coding-DNA position 905, G replaced by A.
Protein change: p.Arg302Gln; replaces arginine 302 with glutamine.
Molecular consequence: missense variant.
Genome position (GRCh38, 1-based): chr7:151,576,412, C>T on the plus strand (G>A on the coding strand, the complement: PRKAG2 is on the minus strand). VCF-style: chr7-151576412-C-T. GRCh37 (hg19) VCF-style: chr7-151273498-C-T.
Other names: p.R302Q:CGA>CAA; NM_001040633.1(PRKAG2):c.773G>A(p.Arg258Gln); NM_001304527.1(PRKAG2):c.530G>A(p.Arg177Gln); NM_001304531.1(PRKAG2):c.182G>A(p.Arg61Gln); NM_016203.3(PRKAG2):c.905G>A(p.Arg302Gln); NM_024429.1(PRKAG2):c.182G>A(p.Arg61Gln); c.773G>A, p.Arg258Gln (NM_001040633.2); c.530G>A, p.Arg177Gln (NM_001304527.2); and 2 more; short protein forms R302Q, R61Q, R178Q, R177Q, R258Q.
Identifiers: ClinVar variation 6846 (VCV000006846.55), dbSNP rs121908987, ClinGen allele CA014644.
Genomic context (GRCh38, chr7:151,576,412, plus strand): 5'-TCAGGCCCACACTGCTTACCTACAAAACTTTGTTTTTTACTCTCCCACAGTGGCGCTGCT[C>T]GGACACCGTTGGCTACCAAAGCAAAGAAGGCCTTTTTAACCTGAAGAAAAAGAGGAGAAA-3'
Protein context (NP_057287.2, residues 292-312): AFFALVANGV[Arg302Gln]AAPLWESKKQ

ClinVar aggregate classification (germline): Pathogenic. Review status: criteria provided, multiple submitters, no conflicts (2 of 4 stars). 23 submissions from 22 submitters: Pathogenic (18). 5 of the submissions do not count toward it. Last evaluated 2026-04-09.

Conditions:
Cardiovascular phenotype. Identifiers: MedGen CN230736.
Familial Hypertrophic Cardiomyopathy with Wolff-Parkinson-White Syndrome. Identifiers: MedGen CN239247.
PRKAG2-related disorder. Also called: PRKAG2-related condition; PRKAG2-related disorders.
Cardiomyopathy (CMYO). Also called: Cardiomyopathies. Identifiers: Orphanet 167848, MedGen C0878544, MONDO:0004994, HP:0001638. Inheritance: Various modes of inheritance.
Primary familial hypertrophic cardiomyopathy (HCM). Identifiers: Orphanet 99739, MedGen C0949658, MeSH D024741, MONDO:0024573. Inheritance: Various modes of inheritance.
Hypertrophic cardiomyopathy 6. Identifiers: MedGen C1833236, MONDO:0010946, OMIM 600858.
Lethal congenital glycogen storage disease of heart. Also called: PHOSPHORYLASE KINASE DEFICIENCY OF HEART; GLYCOGEN STORAGE DISEASE OF HEART. Identifiers: Orphanet 439854, MedGen C1849813, MONDO:0009867, OMIM 261740.
Wolff-Parkinson-White pattern. Also called: Auriculoventricular accessory pathway syndrome; False bundle branch block syndrome; Anomalous ventricular excitation syndrome; WPW SYNDROME. Identifiers: MedGen C0043202, MONDO:0008685, OMIM 194200, HP:0001716.
Hypertrophic cardiomyopathy. Also called: HYPERTROPHIC MYOCARDIOPATHY. Identifiers: Orphanet 217569, MedGen C0007194, MeSH D002312, MONDO:0005045, HP:0001639.

Allele frequency attached by ClinVar (database versions not stated): gnomAD 0.00001; TOPMed 0.00001.
gnomAD v4.1: 2 of 1,611,422 alleles (0.00012%); highest among the groups gnomAD compares: Non-Finnish European, 0.00017%; no homozygotes.

Submissions 1 to 8 of 23:

Clinical Genetics Laboratory, Skane University Hospital Lund
Classification: Pathogenic for Hypertrophic cardiomyopathy. Last evaluated: 2026-04-09. Review status: criteria provided, single submitter. Criteria: ACMG Guidelines, 2015. Collection method: clinical testing. Allele origin: germline. Affected: yes.
Comment: ACMG criteria applied: PS3, PS4, PM2, PP1_strong, PP3, PP4.

Labcorp Genetics (formerly Invitae), Labcorp
Classification: Pathogenic for Lethal congenital glycogen storage disease of heart. Last evaluated: 2025-11-18. Review status: criteria provided, single submitter. Criteria: Invitae Variant Classification Sherloc (09022015). Collection method: clinical testing. Allele origin: germline.
Comment: This sequence change replaces arginine, which is basic and polar, with glutamine, which is neutral and polar, at codon 302 of the PRKAG2 protein (p.Arg302Gln). This variant is not present in population databases (gnomAD no frequency). This missense change has been observed in individual(s) with hypertrophy and Wolff-Parkinson-White syndrome (PMID: 16836667, 25997934). It has also been observed to segregate with disease in related individuals. ClinVar contains an entry for this variant (Variation ID: 6846). Invitae Evidence Modeling of protein sequence and biophysical properties (such as structural, functional, and spatial information, amino acid conservation, physicochemical variation, residue mobility, and thermodynamic stability) has been performed for this missense variant. However, the output from this modeling did not meet the statistical confidence thresholds required to predict the impact of this variant on PRKAG2 protein function. Experimental studies have shown that this missense change affects PRKAG2 function (PMID: 14722619, 15611370, 20031621, 23992123). For these reasons, this variant has been classified as Pathogenic.

North West Genomic Laboratory Hub, Manchester University NHS Foundation Trust
Classification: Pathogenic for Hypertrophic cardiomyopathy. Last evaluated: 2025-07-09. Review status: criteria provided, single submitter. Criteria: ACGS Best Practice Guidelines for Variant Classification in Rare Disease 2024. Collection method: clinical testing. Allele origin: germline. Affected: yes.
Comment: PS3_Mod PP1_Str PS4_Str PP3_Supp

3billion
Classification: Pathogenic for Wolff-Parkinson-White pattern. Last evaluated: 2025-01-21. Review status: criteria provided, single submitter. Criteria: ACMG Guidelines, 2015. Collection method: clinical testing. Allele origin: germline. Affected: yes.
Comment: The variant is observed at an extremely low frequency in the gnomAD v4.1.0 dataset (total allele frequency: <0.001%). Predicted Consequence/Location: Missense variant. Missense changes are a common disease-causing mechanism. Functional studies provide strong evidence of the variant having a damaging effect on the gene or gene product (PMID: 14722619, 15611370, 20031621, 23992123). In silico tool predictions suggest damaging effect of the variant on gene or gene product [REVEL: 0.84 (>=0.6, sensitivity 0.68 and specificity 0.92); 3Cnet: 0.92 (>=0.6, sensitivity 0.72 and precision 0.9)]. The same nucleotide change resulting in the same amino acid change has been previously reported as pathogenic/likely pathogenic with strong evidence (ClinVar ID: VCV000006846 /PMID: 11407343 /3billion dataset). The variant has been previously reported as de novo in a similarly affected individual (PMID: 28431061). The variant has been observed in multiple (>3) similarly affected unrelated individuals (PMID: 16836667, 25997934). The variant has been reported to co-segregate with the disease in at least 7 similarly affected relatives/individuals in at least two unrelated families (PMID: 16836667, 25997934). A different missense change at the same codon (p.Arg302Pro) has been reported as pathogenic/likely pathogenic with strong evidence (ClinVar ID: VCV000533881 /PMID: 32259713). Therefore, this variant is classified as Pathogenic according to the recommendation of ACMG/AMP guideline.

Color Diagnostics, LLC DBA Color Health
Classification: Pathogenic for Cardiomyopathy. Last evaluated: 2024-12-17. Review status: criteria provided, single submitter. Criteria: ACMG Guidelines, 2015. Collection method: clinical testing. Allele origin: germline.
Comment: This missense variant replaces arginine with glycine at codon 302 in the CBS domain 1 of the PRKAG2 protein. Computational prediction suggests that this variant may have a deleterious impact on protein structure and function. Transgenic mouse models have shown that this variant causes cardiac hypertrophy and reduced cardiac function, reduced glucose uptake, and myocardial insulin resistance (PMID: 20031621, 23829931). A functional study using induced pluripotent stem cells have shown that this variant causes a phenotype consistent with Wolff-Parkinson-White syndrome (PMID: 28917552). Additionally, an in vitro functional study has shown that this variant causes normal intracellular localization but significantly reduced protein expression levels (PMID: 23778007). This variant has been reported in more than 10 individuals and families affected with Wolff-Parkinson-White syndrome (PMID: 11407343, 11827995, 15766830, 25997934, 26333379, 28431061, 29298659, 32150461, 32681253) and in more than 10 individuals affected with hypertrophic cardiomyopathy (PMID: 27532257, 27600940, 29875424, 30775854, 32150461, 33673806). It has also been reported in individuals and families affected with a variety of cardiac features, including sinus bradycardia, short PR interval, right bundle branch block (PMID: 16836667, 17483151); cardiac hypertrophy, pre-excitation and conduction system disease (PMID: 26496977, 32259713, 33244021); and permanent atrial fibrillation and left ventricular hypertrophy (PMID: 27864312). It has been shown that this variant segregates with disease in multiple affected individuals across multiple families (PMID: 11407343, 11827995, 15766830, 25997934, 26333379, 28431061, 32681253, 33244021). This variant has been reported to occur de novo in an affected individual (PMID: 15766830). This variant has not been identified in the general population by the Genome Aggregation Database (gnomAD). Based on the available evidence, this variant is classified as Pathogenic.

CHEO Genetics Diagnostic Laboratory, Children's Hospital of Eastern Ontario
Classification: Pathogenic for Cardiomyopathy. Last evaluated: 2023-06-15. Review status: criteria provided, single submitter. Criteria: ACMG Guidelines, 2015. Collection method: clinical testing. Allele origin: germline. Study: Canadian Open Genetics Repository.

Blueprint Genetics
Classification: Pathogenic for PRKAG2-related disorders. Last evaluated: 2023-06-07. Review status: criteria provided, single submitter. Criteria: ACMG Guidelines, 2015. Collection method: clinical testing. Allele origin: germline. Affected: yes. Observed: 5 variant alleles.

GeneDx
Classification: Pathogenic. Last evaluated: 2022-03-24. Review status: criteria provided, single submitter. Criteria: GeneDx Variant Classification Process June 2021. Collection method: clinical testing. Allele origin: germline. Affected: yes.
Comment: Reported in families with conduction disease and little to no history of LVH or WPW (Sternick et al., 2006; Charron et al., 2007), demonstrating phenotypic variability; Not observed at significant frequency in large population cohorts (gnomAD); In silico analysis supports that this missense variant has a deleterious effect on protein structure/function; Functional studies have demonstrated that transgenic animal models harboring p.(R302Q) develop a phenotype congruent to the human disease spectrum, including reduced cardiac function, LVH, prolonged QRS, ventricular pre-excitation, increased cardiac glycogen stores, and/or reduced AMPK activity (Sidhu et al., 2005; Folmes et al., 2009; Thorn et al., 2013; Zhang et al., 2014); Located within a CBS domain; these domains regulate binding of PRKAG2 to ATP, ADP, and AMP; This variant is associated with the following publications: (PMID: 23829931, 19920047, 26729852, 11827995, 34656342, 30847666, 23992123, 27189955, 27864312, 25611685, 26496977, 25997934, 27532257, 27133129, 27496753, 23778007, 17483151, 23810891, 11407343, 24497343, 15611370, 20031621, 16836667, 29298659, 26333379, 31513939, 30775854, 31737537, 32150461, 33662488, 32681253, 33906374, 33244021, 33673806, 32646569, 14722619, 26582918)